The following is an entry in ClinVar:

ClinVar aggregate classification (germline): Uncertain significance. Review status: criteria provided, multiple submitters, no conflicts (2 of 4 stars). 3 submissions from 3 submitters: Uncertain significance (3). Last evaluated 2023-02-16.

Conditions:
Inborn genetic diseases. Identifiers: MedGen C0950123, MeSH D030342.

Allele frequency attached by ClinVar (database versions not stated): gnomAD 0.00001; TOPMed 0.00002.
gnomAD v4.1: 35 of 1,613,184 alleles (0.0022%); highest among the groups gnomAD compares: Non-Finnish European, 0.003%; no homozygotes.

Submissions (3):

Ambry Genetics
Classification: Uncertain significance for Inborn genetic diseases. Last evaluated: 2023-02-16. Review status: criteria provided, single submitter. Criteria: Ambry Variant Classification Scheme 2023. Collection method: clinical testing. Allele origin: germline.

Labcorp Genetics (formerly Invitae), Labcorp
Classification: Uncertain significance. Last evaluated: 2022-08-16. Review status: criteria provided, single submitter. Criteria: Invitae Variant Classification Sherloc (09022015). Collection method: clinical testing. Allele origin: germline.
Comment: This sequence change replaces glutamic acid, which is acidic and polar, with valine, which is neutral and non-polar, at codon 498 of the COL13A1 protein (p.Glu498Val). This variant is present in population databases (rs774072050, gnomAD 0.005%). This variant has not been reported in the literature in individuals affected with COL13A1-related conditions. ClinVar contains an entry for this variant (Variation ID: 1431890). Algorithms developed to predict the effect of missense changes on protein structure and function (SIFT, PolyPhen-2, Align-GVGD) all suggest that this variant is likely to be disruptive. Algorithms developed to predict the effect of sequence changes on RNA splicing suggest that this variant may create or strengthen a splice site. In summary, the available evidence is currently insufficient to determine the role of this variant in disease. Therefore, it has been classified as a Variant of Uncertain Significance.

Breakthrough Genomics
Classification: Uncertain significance. Review status: criteria provided, single submitter. Criteria: ACMG Guidelines, 2015. Collection method: not provided. Allele origin: germline. Inheritance: Autosomal recessive inheritance. Affected: yes.

NM_001368882.1(COL13A1):c.1526A>T (p.Glu509Val)

Gene: COL13A1 (collagen type XIII alpha 1 chain; plus strand). Cytogenetic location: 10q22.1.
Variant type: single nucleotide variant.
Coding change: c.1526A>T on transcript NM_001368882.1 (MANE Select); coding-DNA position 1526, A replaced by T.
Protein change: p.Glu509Val; replaces glutamic acid 509 with valine.
Molecular consequence: missense variant.
Genome position (GRCh38, 1-based): chr10:69,930,083, A>T. VCF-style: chr10-69930083-A-T. GRCh37 (hg19) VCF-style: chr10-71689839-A-T.
Other names: c.1493A>T, p.Glu498Val (NM_001130103.2); c.1463A>T, p.Glu488Val (NM_001320951.2, NM_001368884.1); c.1490A>T, p.Glu497Val (NM_001368883.1); c.1427A>T, p.Glu476Val (NM_001368885.1, NM_080801.4, NM_080802.4); c.863A>T, p.Glu288Val (NM_001368886.1); c.1436A>T, p.Glu479Val (NM_001368895.1, NM_080800.4); c.1322A>T, p.Glu441Val (NM_001368896.1, NM_001368898.1, NM_080798.4); c.1349A>T, p.Glu450Val (NM_001368897.1); and 2 more; short protein forms E288V, E450V, E441V, E479V, E498V, E509V, E447V, E476V.
Identifiers: ClinVar variation 1431890 (VCV001431890.5), dbSNP rs774072050, ClinGen allele CA209275071.